The following is an entry in ClinVar:

NM_012431.3(SEMA3E):c.2131A>C (p.Lys711Gln)

Gene: SEMA3E (semaphorin 3E; minus strand). Cytogenetic location: 7q21.11.
Variant type: single nucleotide variant.
Coding change: c.2131A>C on transcript NM_012431.3 (MANE Select); coding-DNA position 2131, A replaced by C.
Protein change: p.Lys711Gln; replaces lysine 711 with glutamine.
Molecular consequence: missense variant.
Genome position (GRCh38, 1-based): chr7:83,367,783, T>G on the plus strand (A>C on the coding strand, the complement: SEMA3E is on the minus strand). VCF-style: chr7-83367783-T-G. GRCh37 (hg19) VCF-style: chr7-82997099-T-G.
Other names: c.1951A>C, p.Lys651Gln (NM_001178129.2); short protein forms K651Q, K711Q.
Identifiers: ClinVar variation 4982922 (VCV004982922.1).
Genomic context (GRCh38, chr7:83,367,783, plus strand): 5'-TCTCGCAGTATTCTTCCACTCTCTGGAAGTTGCTATAACCGATCAGCTGCAAGAATTCCT[T>G]GTACCATGGTTTTGCTCCCTGCGAGATGCTACTCTGAGCAGGACAAGGCATCCTGTGATG-3'
Protein context (NP_036563.1, residues 701-721): SISQGAKPWY[Lys711Gln]EFLQLIGYSN

ClinVar aggregate classification (germline): Uncertain significance (1 of 4 stars; one submission).

Conditions:
SEMA3E-related disorder. Also called: SEMA3E-related condition.

gnomAD v4.1: 21 of 1,614,042 alleles (0.0013%); highest among the groups gnomAD compares: Non-Finnish European, 0.0016%; no homozygotes.

Submission:

PreventionGenetics, part of Exact Sciences
Classification: Uncertain significance for SEMA3E-related condition. Last evaluated: 2024-10-19. Review status: criteria provided, single submitter. Criteria: ACMG Guidelines, 2015. Collection method: clinical testing. Allele origin: germline.
Comment: The SEMA3E c.2131A>C variant is predicted to result in the amino acid substitution p.Lys711Gln. To our knowledge, this variant has not been reported in the literature. This variant is reported in 0.00088% of alleles in individuals of European (Non-Finnish) descent in gnomAD. At this time, the clinical significance of this variant is uncertain due to the absence of conclusive functional and genetic evidence.